The following is an entry in ClinVar:

NM_001297.5(CNGB1):c.2504G>A (p.Cys835Tyr)

Gene: CNGB1 (cyclic nucleotide gated channel subunit beta 1; minus strand). Cytogenetic location: 16q21.
Variant type: single nucleotide variant.
Coding change: c.2504G>A on transcript NM_001297.5 (MANE Select); coding-DNA position 2504, G replaced by A.
Protein change: p.Cys835Tyr; replaces cysteine 835 with tyrosine.
Molecular consequence: missense variant.
Genome position (GRCh38, 1-based): chr16:57,904,864, C>T on the plus strand (G>A on the coding strand, the complement: CNGB1 is on the minus strand). VCF-style: chr16-57904864-C-T. GRCh37 (hg19) VCF-style: chr16-57938768-C-T.
Other names: c.2486G>A, p.Cys829Tyr (NM_001286130.2); short protein forms C829Y, C835Y.
Identifiers: ClinVar variation 957195 (VCV000957195.9), dbSNP rs1298762004, ClinGen allele CA396059028.

ClinVar aggregate classification (germline): Uncertain significance (1 of 4 stars; one submission).

Submission:

Labcorp Genetics (formerly Invitae), Labcorp
Classification: Uncertain significance. Last evaluated: 2022-02-10. Review status: criteria provided, single submitter. Criteria: Invitae Variant Classification Sherloc (09022015). Collection method: clinical testing. Allele origin: germline.
Comment: This sequence change replaces cysteine, which is neutral and slightly polar, with tyrosine, which is neutral and polar, at codon 835 of the CNGB1 protein (p.Cys835Tyr). This variant is not present in population databases (gnomAD no frequency). In summary, the available evidence is currently insufficient to determine the role of this variant in disease. Therefore, it has been classified as a Variant of Uncertain Significance. Advanced modeling of protein sequence and biophysical properties (such as structural, functional, and spatial information, amino acid conservation, physicochemical variation, residue mobility, and thermodynamic stability) performed at Invitae indicates that this missense variant is expected to disrupt CNGB1 protein function. ClinVar contains an entry for this variant (Variation ID: 957195). This variant has not been reported in the literature in individuals affected with CNGB1-related conditions.